The following is an entry in ClinVar:

NM_001396959.1(TBC1D1):c.1429G>A (p.Ala477Thr)

Gene: TBC1D1 (TBC1 domain family member 1; plus strand). Cytogenetic location: 4p14.
Variant type: single nucleotide variant.
Coding change: c.1429G>A on transcript NM_001396959.1 (MANE Select); coding-DNA position 1429, G replaced by A.
Protein change: p.Ala477Thr; replaces alanine 477 with threonine.
Molecular consequence: missense variant.
Genome position (GRCh38, 1-based): chr4:38,044,377, G>A. VCF-style: chr4-38044377-G-A. GRCh37 (hg19) VCF-style: chr4-38045998-G-A.
Other names: c.1429G>A, p.Ala477Thr (NM_001253912.2, NM_015173.4); short protein forms A477T.
Identifiers: ClinVar variation 3037194 (VCV003037194.2), dbSNP rs141092310, ClinGen allele CA2887761.

ClinVar aggregate classification (germline): Benign (0 of 4 stars; one submission).

Conditions:
TBC1D1-related disorder. Also called: TBC1D1-related condition.

Allele frequency attached by ClinVar (database versions not stated): gnomAD exomes 0.00039; gnomAD 0.00054; TOPMed 0.00085; ExAC 0.00119; 1000 Genomes Project 30x 0.00375; 1000 Genomes Project 0.00419.

Submission:

PreventionGenetics, part of Exact Sciences
Classification: Benign for TBC1D1-related condition. Last evaluated: 2019-05-03. Review status: no assertion criteria provided. Collection method: clinical testing. Allele origin: germline.
Comment: This variant is classified as benign based on ACMG/AMP sequence variant interpretation guidelines (Richards et al. 2015 PMID: 25741868, with internal and published modifications).